The following is an entry in ClinVar:

NM_014874.4(MFN2):c.711A>C (p.Glu237Asp)

Gene: MFN2 (mitofusin 2; plus strand). Cytogenetic location: 1p36.22.
Variant type: single nucleotide variant.
Coding change: c.711A>C on transcript NM_014874.4 (MANE Select); coding-DNA position 711, A replaced by C.
Protein change: p.Glu237Asp; replaces glutamic acid 237 with aspartic acid.
Molecular consequence: missense variant.
Genome position (GRCh38, 1-based): chr1:11,998,990, A>C. VCF-style: chr1-11998990-A-C. GRCh37 (hg19) VCF-style: chr1-12059047-A-C.
Other names: c.711A>C, p.Glu237Asp (NM_001127660.2); short protein forms E237D.
Identifiers: ClinVar variation 2849825 (VCV002849825.3), dbSNP rs1557525000, ClinGen allele CA338438831.

ClinVar aggregate classification (germline): Likely pathogenic (1 of 4 stars; one submission).

Conditions:
Charcot-Marie-Tooth disease type 2. Also called: Charcot-Marie-Tooth type 2. Identifiers: Orphanet 64746, MedGen C0270914, MONDO:0018993.

Submission:

Labcorp Genetics (formerly Invitae), Labcorp
Classification: Likely pathogenic for Charcot-Marie-Tooth disease type 2. Last evaluated: 2024-08-22. Review status: criteria provided, single submitter. Criteria: Invitae Variant Classification Sherloc (09022015). Collection method: clinical testing. Allele origin: germline.
Comment: This sequence change replaces glutamic acid, which is acidic and polar, with aspartic acid, which is acidic and polar, at codon 237 of the MFN2 protein (p.Glu237Asp). This variant is not present in population databases (gnomAD no frequency). This missense change has been observed in individuals with autosomal dominant Charcot-Marie-Tooth disease (PMID: 33415332; internal data). It has also been observed to segregate with disease in related individuals. An algorithm developed to predict the effect of missense changes on protein structure and function (PolyPhen-2) suggests that this variant is likely to be disruptive. In summary, the currently available evidence indicates that the variant is pathogenic, but additional data are needed to prove that conclusively. Therefore, this variant has been classified as Likely Pathogenic.

Literature cited by the submitters: PubMed 33415332.